The following is an entry in ClinVar:

NM_000548.5(TSC2):c.1601T>G (p.Val534Gly)

Gene: TSC2 (TSC complex subunit 2; plus strand). Cytogenetic location: 16p13.3.
Variant type: single nucleotide variant.
Coding change: c.1601T>G on transcript NM_000548.5 (MANE Select); coding-DNA position 1601, T replaced by G.
Protein change: p.Val534Gly; replaces valine 534 with glycine.
Molecular consequence: missense variant.
Genome position (GRCh38, 1-based): chr16:2,065,520, T>G. VCF-style: chr16-2065520-T-G. GRCh37 (hg19) VCF-style: chr16-2115521-T-G.
Other names: c.1601T>G, p.Val534Gly (NM_001114382.3, NM_001363528.2, NM_001370404.1 and 3 more transcripts); c.1490T>G, p.Val497Gly (NM_001318827.2); c.1454T>G, p.Val485Gly (NM_001318829.2); c.1001T>G, p.Val334Gly (NM_001318831.2); c.1634T>G, p.Val545Gly (NM_001318832.2); short protein forms V534G, V485G, V497G, V545G, V334G.
Identifiers: ClinVar variation 406006 (VCV000406006.22), dbSNP rs924098595, ClinGen allele CA16615042.

ClinVar aggregate classification (germline): Conflicting classifications of pathogenicity. Review status: criteria provided, conflicting classifications (1 of 4 stars). 6 submissions from 6 submitters: Uncertain significance (4); Likely benign (2). Last evaluated 2026-01-05.

Conditions:
Hereditary cancer-predisposing syndrome. Also called: Tumor predisposition; Neoplastic Syndromes, Hereditary; Hereditary Cancer Syndrome; Hereditary neoplastic syndrome. Identifiers: Orphanet 140162, MedGen C0027672, MeSH D009386, MONDO:0015356.
Isolated focal cortical dysplasia type II (FCORD2). Also called: CORTICAL DYSPLASIA OF TAYLOR; Focal cortical dysplasia type II. Identifiers: Orphanet 268994, MedGen C1846385, MONDO:0011818, OMIM 607341, HP:0032051.
Tuberous sclerosis syndrome (TSC). Also called: Tuberous Sclerosis Complex; Tuberous sclerosis. Identifiers: Orphanet 805, MedGen C0041341, MONDO:0001734.
Tuberous sclerosis 2 (TSC2). Identifiers: Orphanet 805, MedGen C1860707, MONDO:0013199, OMIM 613254.

Allele frequency attached by ClinVar (database versions not stated): gnomAD exomes below 0.00001 and 0.00002; TOPMed 0.00001.
gnomAD v4.1: 28 of 1,610,814 alleles (0.0017%); highest among the groups gnomAD compares: Non-Finnish European, 0.0023%; no homozygotes.

Submissions (6):

Labcorp Genetics (formerly Invitae), Labcorp
Classification: Likely benign for Tuberous sclerosis 2. Last evaluated: 2026-01-05. Review status: criteria provided, single submitter. Criteria: Invitae Variant Classification Sherloc (09022015). Collection method: clinical testing. Allele origin: germline.

Ambry Genetics
Classification: Uncertain significance for Hereditary cancer-predisposing syndrome. Last evaluated: 2025-07-31. Review status: criteria provided, single submitter. Criteria: Ambry Variant Classification Scheme 2023. Collection method: clinical testing. Allele origin: germline.
Comment: The p.V534G variant (also known as c.1601T>G), located in coding exon 15 of the TSC2 gene, results from a T to G substitution at nucleotide position 1601. The valine at codon 534 is replaced by glycine, an amino acid with dissimilar properties. This amino acid position is highly conserved in available vertebrate species. In addition, this alteration is predicted to be deleterious by in silico analysis. Since supporting evidence is limited at this time, the clinical significance of this alteration remains unclear.

Quest Diagnostics Nichols Institute San Juan Capistrano
Classification: Uncertain significance. Last evaluated: 2024-11-02. Review status: criteria provided, single submitter. Criteria: Quest Diagnostics criteria. Collection method: clinical testing. Allele origin: unknown.
Comment: The TSC2 c.1601T>G (p.Val534Gly) variant has been reported in the published literature in an individual with Cushing's disease (PMID: 36149413 (2022)). The frequency of this variant in the general population, 0.000004 (1/250028 chromosomes (Genome Aggregation Database)), is uninformative in the assessment of its pathogenicity. Analysis of this variant using bioinformatics tools for the prediction of the effect of amino acid changes on protein structure and function yielded predictions that this variant is damaging. Additional analysis using software algorithms for the prediction of the effect of nucleotide changes on splicing yielded predictions that this variant may affect proper TSC2 mRNA splicing. Based on the available information, we are unable to determine the clinical significance of this variant.

All of Us Research Program, National Institutes of Health
Classification: Uncertain significance for Tuberous sclerosis syndrome. Last evaluated: 2023-12-01. Review status: criteria provided, single submitter. Criteria: ACMG Guidelines, 2015. Collection method: clinical testing. Allele origin: germline. Inheritance: Autosomal dominant inheritance. Observed: 4 variant alleles, 4 heterozygotes.
Comment: This missense variant replaces valine with glycine at codon 534 of the TSC2 protein. Computational prediction is inconclusive regarding the impact of this variant on protein structure and function (internally defined REVEL score threshold 0.5 < inconclusive < 0.7, PMID: 27666373). To our knowledge, functional studies have not been reported for this variant. This variant has not been reported in individuals affected with TSC2-related disorders in the literature. This variant has been identified in 1/250028 chromosomes in the general population by the Genome Aggregation Database (gnomAD). The available evidence is insufficient to determine the role of this variant in disease conclusively. Therefore, this variant is classified as a Variant of Uncertain Significance.

This study involves interpretation of variants in research participants for the purpose of population health screening. Participant phenotype was not available at the time of variant classification. Additional details can be found in publication PMID: 35346344, PMCID: PMC8962531

Baylor Genetics
Classification: Uncertain significance for Isolated focal cortical dysplasia type II. Last evaluated: 2023-06-16. Review status: criteria provided, single submitter. Criteria: ACMG Guidelines, 2015. Collection method: clinical testing. Allele origin: unknown.

Genome-Nilou Lab
Classification: Likely benign for Tuberous sclerosis 2. Last evaluated: 2021-11-07. Review status: criteria provided, single submitter. Criteria: ACMG Guidelines, 2015. Collection method: clinical testing. Allele origin: germline. Affected: no.

Literature cited by the submitters: PubMed 36149413 (cited by Quest Diagnostics Nichols Institute San Juan Capistrano).